The following is an entry in ClinVar:

NM_000238.4(KCNH2):c.1952T>G (p.Met651Arg)

Gene: KCNH2 (potassium voltage-gated channel subfamily H member 2; minus strand). Cytogenetic location: 7q36.1.
Variant type: single nucleotide variant.
Coding change: c.1952T>G on transcript NM_000238.4 (MANE Select); coding-DNA position 1952, T replaced by G.
Protein change: p.Met651Arg; replaces methionine 651 with arginine.
Molecular consequence: missense variant.
Genome position (GRCh38, 1-based): chr7:150,951,114, A>C on the plus strand (T>G on the coding strand, the complement: KCNH2 is on the minus strand). VCF-style: chr7-150951114-A-C. GRCh37 (hg19) VCF-style: chr7-150648202-A-C.
Other names: c.932T>G, p.Met311Arg (NM_001204798.2, NM_172057.3); c.1664T>G, p.Met555Arg (NM_001406753.1, NM_001406756.1); c.1775T>G, p.Met592Arg (NM_001406755.1); c.1652T>G, p.Met551Arg (NM_001406757.1); c.1952T>G, p.Met651Arg (NM_172056.3); short protein forms M311R, M651R, M551R, M592R, M555R.
Identifiers: ClinVar variation 427945 (VCV000427945.4), dbSNP rs1554425569, ClinGen allele CA369857777.

ClinVar aggregate classification (germline): Likely pathogenic (1 of 4 stars; one submission).

Conditions:
Long QT syndrome 2 (LQT2). Identifiers: Orphanet 101016, Orphanet 768, MedGen C3150943, MONDO:0013367, OMIM 613688.

Submission:

Center for Human Genetics, University of Leuven
Classification: Likely pathogenic for Long QT syndrome 2. Last evaluated: 2017-02-09. Review status: criteria provided, single submitter. Criteria: ACMG Guidelines, 2015. Collection method: clinical testing. Allele origin: germline. Inheritance: Autosomal dominant inheritance. Affected: yes. Observed: 1 variant allele.
Comment: ACMG score likely pathogenic